The following is an entry in ClinVar:

ClinVar aggregate classification (germline): Uncertain significance (0 of 4 stars; one submission).

Conditions:
HADHA-related disorder. Also called: HADHA-related disorders; HADHA-related condition.

Submission:

PreventionGenetics, part of Exact Sciences
Classification: Uncertain significance for HADHA-related condition. Last evaluated: 2024-07-16. Review status: no assertion criteria provided. Collection method: clinical testing. Allele origin: germline.
Comment: The HADHA c.1792C>T variant is predicted to result in the amino acid substitution p.His598Tyr. To our knowledge, this variant has not been reported in the literature. This variant is reported in 0.0033% of alleles in individuals of South Asian descent in gnomAD. At this time, the clinical significance of this variant is uncertain due to the absence of conclusive functional and genetic evidence.

NM_000182.5(HADHA):c.1792C>T (p.His598Tyr)

Genes: GAREM2 (GRB2 associated regulator of MAPK1 subtype 2; plus strand), HADHA (hydroxyacyl-CoA dehydrogenase trifunctional multienzyme complex subunit alpha; minus strand). Cytogenetic location: 2p23.3.
Variant type: single nucleotide variant.
Coding change: c.1792C>T on transcript NM_000182.5 (MANE Select); coding-DNA position 1792, C replaced by T.
Protein change: p.His598Tyr; replaces histidine 598 with tyrosine.
Molecular consequence: missense variant.
Genome position (GRCh38, 1-based): chr2:26,193,670, G>A on the plus strand (C>T on the coding strand, the complement: HADHA is on the minus strand). VCF-style: chr2-26193670-G-A. GRCh37 (hg19) VCF-style: chr2-26416539-G-A.
Other names: short protein forms H598Y.
Identifiers: ClinVar variation 3346091 (VCV003346091.1).